The following is an entry in ClinVar:

ClinVar aggregate classification (germline): Likely benign. Review status: criteria provided, multiple submitters, no conflicts (2 of 4 stars). 3 submissions from 3 submitters: Likely benign (3). Last evaluated 2026-04-01.

Conditions:
Cryopyrin associated periodic syndrome (CAPS). Identifiers: Orphanet 208650, MedGen C2316212, MONDO:0016168.

Submissions (3):

CeGaT Center for Human Genetics Tuebingen
Classification: Likely benign. Last evaluated: 2026-04-01. Review status: criteria provided, single submitter. Criteria: CeGaT Center For Human Genetics Tuebingen Variant Classification Criteria Version 2. Collection method: clinical testing. Allele origin: germline. Affected: yes. Observed: 1 variant allele.
Comment: NLRP3: BP4, BP7

Labcorp Genetics (formerly Invitae), Labcorp
Classification: Likely benign for Cryopyrin associated periodic syndrome. Last evaluated: 2025-11-06. Review status: criteria provided, single submitter. Criteria: Invitae Variant Classification Sherloc (09022015). Collection method: clinical testing. Allele origin: germline.

Blueprint Genetics
Classification: Likely benign. Last evaluated: 2024-06-21. Review status: criteria provided, single submitter. Criteria: ACMG Guidelines, 2015. Collection method: clinical testing. Allele origin: germline.

NM_001243133.2(NLRP3):c.2739G>A (p.Thr913=)

Gene: NLRP3 (NLR family pyrin domain containing 3; plus strand). Cytogenetic location: 1q44.
Variant type: single nucleotide variant.
Coding change: c.2739G>A on transcript NM_001243133.2 (MANE Select); coding-DNA position 2739, G replaced by A.
Protein change: p.Thr913=; no amino-acid change (threonine 913 retained).
Molecular consequence: synonymous variant.
Genome position (GRCh38, 1-based): chr1:247,444,047, G>A. VCF-style: chr1-247444047-G-A. GRCh37 (hg19) VCF-style: chr1-247607349-G-A.
Other names: c.2739G>A, p.Thr913= (NM_001079821.3); c.2568G>A, p.Thr856= (NM_001127461.3, NM_001127462.3); c.2745G>A, p.Thr915= (NM_004895.5); c.2397G>A, p.Thr799= (NM_183395.3).
Identifiers: ClinVar variation 2184542 (VCV002184542.27), dbSNP rs201764635, ClinGen allele CA1495348.
Genomic context (GRCh38, chr1:247,444,047, plus strand): 5'-CCTTACGTCAGTCTGTTGTTCAGCTTTGTCCTCGGTACTCAGCACTAATCAGAATCTCAC[G>A]CACCTTTACCTGCGAGGCAACACTCTCGGAGACAAGGGGATCAAACTACTCTGTGAGGGA-3'
Protein context (NP_001230062.1, residues 903-923): SSVLSTNQNL[Thr913=]HLYLRGNTLG